The following is an entry in ClinVar:

NM_001145678.3(KIAA0825):c.3035G>C (p.Gly1012Ala)

Gene: KIAA0825 (KIAA0825; minus strand). Cytogenetic location: 5q15.
Variant type: single nucleotide variant.
Coding change: c.3035G>C on transcript NM_001145678.3 (MANE Select); coding-DNA position 3035, G replaced by C.
Protein change: p.Gly1012Ala; replaces glycine 1012 with alanine.
Molecular consequence: missense variant. On other transcripts: non-coding transcript variant (1).
Genome position (GRCh38, 1-based): chr5:94,396,362, C>G on the plus strand (G>C on the coding strand, the complement: KIAA0825 is on the minus strand). VCF-style: chr5-94396362-C-G. GRCh37 (hg19) VCF-style: chr5-93732067-C-G.
Other names: c.3050G>C, p.Gly1017Ala (NM_001385712.1, NM_001385713.1, NM_001388325.1); short protein forms G1012A, G1017A.
Identifiers: ClinVar variation 5019599 (VCV005019599.2).
Genomic context (GRCh38, chr5:94,396,362, plus strand): 5'-ACAGTGTTTCCGTCCTCAAATATCCGACATATAATTACAATCAAGTTCCAGACAAGCAGG[C>G]CAGCTTTCTTCAATTCAACAAATTTTTTTGACATTTTTCTCTCAGACAGAAAAAAGAAGT-3'
Protein context (NP_001139150.1, residues 1002-1022): SKKFVELKKA[Gly1012Ala]LLVWNLIVII

ClinVar aggregate classification (germline): Uncertain significance (1 of 4 stars; one submission).

Conditions:
Polydactyly, postaxial, type a10. Identifiers: MedGen C5193129, MONDO:0032785, OMIM 618498.

gnomAD v4.1: 3 of 1,551,004 alleles (0.00019%); highest among the groups gnomAD compares: East Asian, 0.0024%; no homozygotes.

Submission:

Juno Genomics, Hangzhou Juno Genomics, Inc
Classification: Uncertain significance for Polydactyly, postaxial, type a10. Review status: criteria provided, single submitter. Criteria: ACMG Guidelines, 2015. Collection method: clinical testing. Allele origin: germline.
Comment: Absent from controls (or at extremely low frequency if recessive) in Genome Aggregation Database.;Multiple lines of computational evidence suggest no impact on gene or gene product.;For recessive disorders, detected in trans with a pathogenic variant.